The following is an entry in ClinVar:

ClinVar aggregate classification (germline): Pathogenic/Likely pathogenic. Review status: criteria provided, multiple submitters, no conflicts (2 of 4 stars). 2 submissions from 2 submitters: Pathogenic (1); Likely pathogenic (1). Last evaluated 2023-03-08.

Conditions:
Sandhoff disease. Also called: GM2-GANGLIOSIDOSIS, TYPE II; HEXOSAMINIDASES A AND B DEFICIENCY; Beta-hexosaminidase-beta-subunit deficiency; GM2 gangliosidosis, type 2; Total hexosaminidase deficiency; Sandhoff-Jatzkewitz-Pilz disease. Identifiers: Orphanet 796, MedGen C0036161, MONDO:0010006, OMIM 268800.

Submissions (2):

Labcorp Genetics (formerly Invitae), Labcorp
Classification: Pathogenic for Sandhoff disease. Last evaluated: 2023-03-08. Review status: criteria provided, single submitter. Criteria: Invitae Variant Classification Sherloc (09022015). Collection method: clinical testing. Allele origin: germline.
Comment: This sequence change creates a premature translational stop signal (p.Gln479Thrfs*19) in the HEXB gene. It is expected to result in an absent or disrupted protein product. Loss-of-function variants in HEXB are known to be pathogenic (PMID: 7550345, 18758829). For these reasons, this variant has been classified as Pathogenic. ClinVar contains an entry for this variant (Variation ID: 1726081). This variant has not been reported in the literature in individuals affected with HEXB-related conditions. This variant is not present in population databases (gnomAD no frequency).

Myriad Genetics, Inc.
Classification: Likely pathogenic for Sandhoff disease. Last evaluated: 2022-05-18. Review status: criteria provided, single submitter. Criteria: Myriad Women's Health Autosomal Recessive and X-Linked Classification Criteria (2021). Collection method: clinical testing. Allele origin: unknown.
Comment: NM_000521.3(HEXB):c.1434dupA(Q479Tfs*19) is expected to be pathogenic in the context of Sandhoff disease. This variant is predicted to lead to an abnormal or absent protein product due to the creation of a premature termination codon in HEXB, a gene where loss-of-function variants are known to be pathogenic. Please note: this variant was assessed in the context of healthy population screening.

Literature cited by the submitters: PubMed 7550345 (cited by Labcorp Genetics (formerly Invitae), Labcorp); PubMed 18758829 (cited by Labcorp Genetics (formerly Invitae), Labcorp).

NM_000521.4(HEXB):c.1434dup (p.Gln479fs)

Gene: HEXB (hexosaminidase subunit beta; plus strand). Cytogenetic location: 5q13.3.
Variant type: Duplication.
Coding change: c.1434dup on transcript NM_000521.4 (MANE Select); coding-DNA position 1434, one base duplicated (A; older notation c.1434dupA).
Protein change: p.Gln479fs; shifts the reading frame from glutamine 479.
Molecular consequence: frameshift variant.
Genome position (GRCh38, 1-based): chr5:74,720,444, A duplicated; the last of 3 consecutive A bases (chr5:74,720,442-74,720,444); duplicating any one gives the same sequence. VCF-style (leftmost placement, unchanged base first): chr5-74720441-G-GA. GRCh37 (hg19) VCF-style: chr5-74016266-G-GA.
Other names: c.759dup, p.Gln254fs (NM_001292004.2); short protein forms Q254fs, Q479fs.
Identifiers: ClinVar variation 1726081 (VCV001726081.5), dbSNP rs2478771891, ClinGen allele CA2580073403.